The following is an entry in ClinVar:

ClinVar aggregate classification (germline): Conflicting classifications of pathogenicity. Review status: criteria provided, conflicting classifications (1 of 4 stars). 4 submissions from 4 submitters: Uncertain significance (3); Likely benign (1). Last evaluated 2026-01-23.

Conditions:
Hereditary cancer-predisposing syndrome. Also called: Hereditary neoplastic syndrome; Tumor predisposition; Neoplastic Syndromes, Hereditary; Hereditary Cancer Syndrome. Identifiers: Orphanet 140162, MedGen C0027672, MeSH D009386, MONDO:0015356.
Familial cancer of breast. Also called: Hereditary breast cancer; hereditary breast carcinoma; BREAST CANCER, FAMILIAL. Identifiers: Orphanet 227535, MedGen C0346153, MONDO:0016419, OMIM 114480. Disease mechanism: loss of function.

Allele frequency attached by ClinVar (database versions not stated): gnomAD exomes below 0.00001.
gnomAD v4.1: 1 of 1,613,672 alleles (0.000062%); highest among the groups gnomAD compares: Non-Finnish European, 0.000085%; no homozygotes.

Submissions (4):

Ambry Genetics
Classification: Uncertain significance for Hereditary cancer-predisposing syndrome. Last evaluated: 2026-01-23. Review status: criteria provided, single submitter. Criteria: Ambry Variant Classification Scheme 2023. Collection method: clinical testing. Allele origin: germline.
Comment: The p.A173V variant (also known as c.518C>T), located in coding exon 4 of the BARD1 gene, results from a C to T substitution at nucleotide position 518. The alanine at codon 173 is replaced by valine, an amino acid with similar properties. This amino acid position is poorly conserved in available vertebrate species. In addition, this alteration is predicted to be tolerated by in silico analysis. Based on the available evidence, the clinical significance of this variant remains unclear.

Color Diagnostics, LLC DBA Color Health
Classification: Likely benign for Hereditary cancer-predisposing syndrome. Last evaluated: 2024-09-19. Review status: criteria provided, single submitter. Criteria: ACMG Guidelines, 2015. Collection method: clinical testing. Allele origin: germline.

Labcorp Genetics (formerly Invitae), Labcorp
Classification: Uncertain significance for Familial cancer of breast. Last evaluated: 2022-09-23. Review status: criteria provided, single submitter. Criteria: Invitae Variant Classification Sherloc (09022015). Collection method: clinical testing. Allele origin: germline.
Comment: Algorithms developed to predict the effect of sequence changes on RNA splicing suggest that this variant may create or strengthen a splice site. This variant is not present in population databases (gnomAD no frequency). This sequence change replaces alanine, which is neutral and non-polar, with valine, which is neutral and non-polar, at codon 173 of the BARD1 protein (p.Ala173Val). Algorithms developed to predict the effect of missense changes on protein structure and function output the following: SIFT: "Tolerated"; PolyPhen-2: "Benign"; Align-GVGD: "Class C0". The valine amino acid residue is found in multiple mammalian species, which suggests that this missense change does not adversely affect protein function. ClinVar contains an entry for this variant (Variation ID: 1321121). This variant has not been reported in the literature in individuals affected with BARD1-related conditions. In summary, the available evidence is currently insufficient to determine the role of this variant in disease. Therefore, it has been classified as a Variant of Uncertain Significance.

GeneDx
Classification: Uncertain significance. Last evaluated: 2020-08-25. Review status: criteria provided, single submitter. Criteria: GeneDx Variant Classification Process June 2021. Collection method: clinical testing. Allele origin: germline. Affected: yes.
Comment: In silico analysis supports that this missense variant does not alter protein structure/function; Has not been previously published as pathogenic or benign to our knowledge

NM_000465.4(BARD1):c.518C>T (p.Ala173Val)

Gene: BARD1 (BRCA1 associated RING domain 1; minus strand). Cytogenetic location: 2q35.
Variant type: single nucleotide variant.
Coding change: c.518C>T on transcript NM_000465.4 (MANE Select); coding-DNA position 518, C replaced by T.
Protein change: p.Ala173Val; replaces alanine 173 with valine.
Molecular consequence: missense variant. On other transcripts: non-coding transcript variant (2), intron variant (3).
Genome position (GRCh38, 1-based): chr2:214,781,356, G>A on the plus strand (C>T on the coding strand, the complement: BARD1 is on the minus strand). VCF-style: chr2-214781356-G-A. GRCh37 (hg19) VCF-style: chr2-215646080-G-A.
Other names: c.461C>T, p.Ala154Val (NM_001282543.2); c.158+28056C>T (NM_001282548.2); c.215+15705C>T (NM_001282545.2); c.364+10941C>T (NM_001282549.2); short protein forms A154V, A173V.
Identifiers: ClinVar variation 1321121 (VCV001321121.11), dbSNP rs1316339721, ClinGen allele CA350457477.
Genomic context (GRCh38, chr2:214,781,356, plus strand): 5'-TCAGAAACATCTGCAGGAGGACTTGGGGAAACAAATTCATATGAGTCTTGCTGAGCACTT[G>A]CATCTTTTTTTATTGCAGGCTGGGTTTGCACTGAAGCTTTACTCACAACATATCTGACTT-3'
Protein context (NP_000456.2, residues 163-183): VQTQPAIKKD[Ala173Val]SAQQDSYEFV